The following is an entry in ClinVar:

ClinVar aggregate classification (germline): Uncertain significance. Review status: criteria provided, multiple submitters, no conflicts (2 of 4 stars). 4 submissions from 4 submitters: Uncertain significance (4). Last evaluated 2025-12-24.

Conditions:
Arrhythmogenic right ventricular cardiomyopathy (ARVD). Also called: Cardiomyopathy, ARVC; Arrhythmogenic right ventricular dysplasia; Arrhythmogenic Right Ventricular Cardiomyopathy (ARVC); Arrhythmogenic cardiomyopathy. Identifiers: Orphanet 247, MedGen C0349788, MeSH D019571, MONDO:0016587. Disease mechanism: loss of function. Inheritance: Various modes of inheritance.
Cardiomyopathy (CMYO). Also called: Cardiomyopathies. Identifiers: Orphanet 167848, MedGen C0878544, MONDO:0004994, HP:0001638. Inheritance: Various modes of inheritance.
Arrhythmogenic right ventricular dysplasia 10. Also called: Arrhythmogenic right ventricular dysplasia/cardiomyopathy, type 10; Arrhythmogenic Right Ventricular Dysplasia/Cardiomyopathy10; ARRHYTHMOGENIC RIGHT VENTRICULAR DYSPLASIA, FAMILIAL, 10. Identifiers: MedGen C1857777, MONDO:0012434, OMIM 610193.

Allele frequency attached by ClinVar (database versions not stated): gnomAD exomes below 0.00001; ExAC 0.00001; gnomAD 0.00001.
gnomAD v4.1: 7 of 1,614,032 alleles (0.00043%); highest among the groups gnomAD compares: African/African-American, 0.0027%; no homozygotes.

Submissions (4):

Labcorp Genetics (formerly Invitae), Labcorp
Classification: Uncertain significance for Arrhythmogenic right ventricular dysplasia 10. Last evaluated: 2025-12-24. Review status: criteria provided, single submitter. Criteria: Invitae Variant Classification Sherloc (09022015). Collection method: clinical testing. Allele origin: germline.
Comment: This sequence change replaces glutamine, which is neutral and polar, with glutamic acid, which is acidic and polar, at codon 1114 of the DSG2 protein (p.Gln1114Glu). This variant is present in population databases (rs776078563, gnomAD 0.007%). This variant has not been reported in the literature in individuals affected with DSG2-related conditions. ClinVar contains an entry for this variant (Variation ID: 1407862). Invitae Evidence Modeling of protein sequence and biophysical properties (such as structural, functional, and spatial information, amino acid conservation, physicochemical variation, residue mobility, and thermodynamic stability) has been performed for this missense variant. However, the output from this modeling did not meet the statistical confidence thresholds required to predict the impact of this variant on DSG2 protein function. In summary, the available evidence is currently insufficient to determine the role of this variant in disease. Therefore, it has been classified as a Variant of Uncertain Significance.

Color Diagnostics, LLC DBA Color Health
Classification: Uncertain significance for Cardiomyopathy. Last evaluated: 2025-09-08. Review status: criteria provided, single submitter. Criteria: ACMG Guidelines, 2015. Collection method: clinical testing. Allele origin: germline.
Comment: This missense variant replaces glutamine with glutamic acid at codon 1114 of the DSG2 protein. Computational prediction suggests that this variant may not impact protein structure and function. To our knowledge, functional studies have not been reported for this variant. This variant has not been reported in individuals affected with DSG2-related disorders in the literature. This variant has been identified in 1/249150 chromosomes in the general population by the Genome Aggregation Database (gnomAD). The available evidence is insufficient to determine the role of this variant in disease conclusively. Therefore, this variant is classified as a Variant of Uncertain Significance.

All of Us Research Program, National Institutes of Health
Classification: Uncertain significance for Arrhythmogenic right ventricular cardiomyopathy. Last evaluated: 2023-05-04. Review status: criteria provided, single submitter. Criteria: ACMG Guidelines, 2015. Collection method: clinical testing. Allele origin: germline. Inheritance: Autosomal dominant inheritance. Observed: 1 variant allele, 1 heterozygote.
Comment: This missense variant replaces glutamine with glutamic acid at codon 1114 of the DSG2 protein. Computational prediction suggests that this variant may not impact protein structure and function (internally defined REVEL score threshold <= 0.5, PMID: 27666373). To our knowledge, functional studies have not been reported for this variant. This variant has not been reported in individuals affected with DSG2-related disorders in the literature. This variant has been identified in 1/249150 chromosomes in the general population by the Genome Aggregation Database (gnomAD). The available evidence is insufficient to determine the role of this variant in disease conclusively. Therefore, this variant is classified as a Variant of Uncertain Significance.

This study involves interpretation of variants in research participants for the purpose of population health screening. Participant phenotype was not available at the time of variant classification. Additional details can be found in publication PMID: 35346344, PMCID: PMC8962531

Breakthrough Genomics
Classification: Uncertain significance. Review status: criteria provided, single submitter. Criteria: ACMG Guidelines, 2015. Collection method: not provided. Allele origin: germline. Inheritance: Autosomal recessive inheritance. Affected: yes.

NM_001943.5(DSG2):c.3340C>G (p.Gln1114Glu)

Genes: DSG2 (desmoglein 2; plus strand), DSG2-AS1 (DSG2 antisense RNA 1; minus strand). Cytogenetic location: 18q12.1.
Variant type: single nucleotide variant.
Coding change: c.3340C>G on transcript NM_001943.5 (MANE Select); coding-DNA position 3340, C replaced by G.
Protein change: p.Gln1114Glu; replaces glutamine 1114 with glutamic acid.
Molecular consequence: missense variant.
Genome position (GRCh38, 1-based): chr18:31,546,726, C>G. VCF-style: chr18-31546726-C-G. GRCh37 (hg19) VCF-style: chr18-29126689-C-G.
Other names: short protein forms Q1114E.
Identifiers: ClinVar variation 1407862 (VCV001407862.9), dbSNP rs776078563, ClinGen allele CA048380.